The following is an entry in ClinVar:

ClinVar aggregate classification (germline): Likely benign. Review status: criteria provided, single submitter (1 of 4 stars). 2 submissions from 2 submitters: Likely benign (1). 1 of the submissions does not count toward it. Last evaluated 2025-09-23.

Conditions:
CACNA1B-related disorder. Also called: CACNA1B-related condition.

Allele frequency attached by ClinVar (database versions not stated): ExAC 0.00010; TOPMed 0.00011; ESP Exome Variant Server 0.00016; gnomAD 0.00018.
gnomAD v4.1: 100 of 1,611,112 alleles (0.0062%); highest among the groups gnomAD compares: Middle Eastern, 0.12%; 1 homozygote.

Submissions (2):

Labcorp Genetics (formerly Invitae), Labcorp
Classification: Likely benign. Last evaluated: 2025-09-23. Review status: criteria provided, single submitter. Criteria: Invitae Variant Classification Sherloc (09022015). Collection method: clinical testing. Allele origin: germline.

PreventionGenetics, part of Exact Sciences
Classification: Likely benign for CACNA1B-related condition. Last evaluated: 2021-05-13. Review status: no assertion criteria provided. Collection method: clinical testing. Allele origin: germline. Not counted in ClinVar's aggregate classification.
Comment: This variant is classified as likely benign based on ACMG/AMP sequence variant interpretation guidelines (Richards et al. 2015 PMID: 25741868, with internal and published modifications).

NM_000718.4(CACNA1B):c.4326C>T (p.Phe1442=)

Gene: CACNA1B (calcium voltage-gated channel subunit alpha1 B; plus strand). Cytogenetic location: 9q34.3.
Variant type: single nucleotide variant.
Coding change: c.4326C>T on transcript NM_000718.4 (MANE Select); coding-DNA position 4326, C replaced by T.
Protein change: p.Phe1442=; no amino-acid change (phenylalanine 1442 retained).
Molecular consequence: synonymous variant.
Genome position (GRCh38, 1-based): chr9:138,058,586, C>T. VCF-style: chr9-138058586-C-T. GRCh37 (hg19) VCF-style: chr9-140953038-C-T.
Other names: c.4326C>T, p.Phe1442= (NM_001243812.2); c.4326C>T (NM_000718.3).
Identifiers: ClinVar variation 2058599 (VCV002058599.6), dbSNP rs200086349, ClinGen allele CA5376965.